The following is an entry in ClinVar:

ClinVar aggregate classification (germline): Pathogenic (1 of 4 stars; one submission).

Conditions:
Wiedemann-Steiner syndrome (WDSTS). Also called: Growth deficiency and mental retardation with facial dysmorphism. Identifiers: Orphanet 319182, MedGen C1854630, MONDO:0011518, OMIM 605130.

Submission:

Juno Genomics, Hangzhou Juno Genomics, Inc
Classification: Pathogenic for Wiedemann-Steiner syndrome. Review status: criteria provided, single submitter. Criteria: ACMG Guidelines, 2015. Collection method: clinical testing. Allele origin: germline. Affected: yes.
Comment: Absent from controls (or at extremely low frequency if recessive) in Genome Aggregation Database, Exome Sequencing Project, 1000 Genomes Project, or Exome Aggregation Consortium.;De novo (both maternity and paternity confirmed) in a patient with the disease and no family history.;Null variant in a gene where loss of function (LOF) is a known mechanism of disease.

NM_001197104.2(KMT2A):c.8995C>T (p.Gln2999Ter)

Gene: KMT2A (lysine methyltransferase 2A; plus strand). Cytogenetic location: 11q23.3.
Variant type: single nucleotide variant.
Coding change: c.8995C>T on transcript NM_001197104.2 (MANE Select); coding-DNA position 8995, C replaced by T.
Protein change: p.Gln2999Ter; replaces glutamine 2999 with a stop codon.
Molecular consequence: nonsense.
Genome position (GRCh38, 1-based): chr11:118,504,887, C>T. VCF-style: chr11-118504887-C-T. GRCh37 (hg19) VCF-style: chr11-118375602-C-T.
Other names: c.9085C>T, p.Gln3029Ter (NM_001412597.1); c.8986C>T, p.Gln2996Ter (NM_005933.4); short protein forms Q2996*, Q2999*, Q3029*.
Identifiers: ClinVar variation 3382708 (VCV003382708.2).